The following is an entry in ClinVar:

ClinVar aggregate classification (germline): Likely benign. Review status: criteria provided, single submitter (1 of 4 stars). 2 submissions from 2 submitters: Likely benign (1). 1 of the submissions does not count toward it. Last evaluated 2024-02-24.

Conditions:
FASN-related disorder. Also called: FASN-related condition.
Epileptic encephalopathy. Identifiers: MedGen C0543888, HP:0200134.

Allele frequency attached by ClinVar (database versions not stated): TOPMed below 0.00001; ExAC 0.00001; gnomAD exomes below 0.00001 and 0.00001.
gnomAD v4.1: 3 of 1,612,850 alleles (0.00019%); highest among the groups gnomAD compares: East Asian, 0.0022%; no homozygotes.

Submissions (2):

Labcorp Genetics (formerly Invitae), Labcorp
Classification: Likely benign for Epileptic encephalopathy. Last evaluated: 2024-02-24. Review status: criteria provided, single submitter. Criteria: Invitae Variant Classification Sherloc (09022015). Collection method: clinical testing. Allele origin: germline.

PreventionGenetics, part of Exact Sciences
Classification: Likely benign for FASN-related condition. Last evaluated: 2019-03-11. Review status: no assertion criteria provided. Collection method: clinical testing. Allele origin: germline. Not counted in ClinVar's aggregate classification.
Comment: This variant is classified as likely benign based on ACMG/AMP sequence variant interpretation guidelines (Richards et al. 2015 PMID: 25741868, with internal and published modifications).

NM_004104.5(FASN):c.5643C>T (p.Cys1881=)

Gene: FASN (fatty acid synthase; minus strand). Cytogenetic location: 17q25.3.
Variant type: single nucleotide variant.
Coding change: c.5643C>T on transcript NM_004104.5 (MANE Select); coding-DNA position 5643, C replaced by T.
Protein change: p.Cys1881=; no amino-acid change (cysteine 1881 retained).
Molecular consequence: synonymous variant.
Genome position (GRCh38, 1-based): chr17:82,083,038, G>A on the plus strand (C>T on the coding strand, the complement: FASN is on the minus strand). VCF-style: chr17-82083038-G-A. GRCh37 (hg19) VCF-style: chr17-80040914-G-A.
Identifiers: ClinVar variation 793879 (VCV000793879.12), dbSNP rs769754679, ClinGen allele CA8851610.